The following is an entry in ClinVar:

ClinVar aggregate classification (germline): Uncertain significance. Review status: criteria provided, multiple submitters, no conflicts (2 of 4 stars). 2 submissions from 2 submitters: Uncertain significance (2). Last evaluated 2024-05-23.

Conditions:
Macrothrombocytopenia and granulocyte inclusions with or without nephritis or sensorineural hearing loss (MATINS). Also called: SEBASTIAN PLATELET SYNDROME; MACROTHROMBOCYTOPENIA WITH DISPERSED LEUKOCYTIC INCLUSIONS; MACROTHROMBOCYTOPENIA, NEPHRITIS, AND DEAFNESS; MACROTHROMBOCYTOPENIA, NEPHRITIS, DEAFNESS, AND LEUKOCYTE INCLUSIONS; ALPORT SYNDROME WITH MACROTHROMBOCYTOPENIA; Fechtner syndrome. Identifiers: Orphanet 182050, MedGen C5200934, MONDO:0015912, OMIM 155100.
Autosomal dominant nonsyndromic hearing loss 17. Also called: Autosomal dominant nonsyndromic deafness 17; Deafness, autosomal dominant 17. Identifiers: Orphanet 90635, MedGen C1863659, MONDO:0011350, OMIM 603622.

Allele frequency attached by ClinVar (database versions not stated): gnomAD exomes below 0.00001; gnomAD 0.00001.
gnomAD v4.1: 2 of 1,606,218 alleles (0.00012%); highest among the groups gnomAD compares: Non-Finnish European, 0.00017%; no homozygotes.

Submissions (2):

Fulgent Genetics
Classification: Uncertain significance for Macrothrombocytopenia and granulocyte inclusions with or without nephritis or sensorineural hearing loss; Autosomal dominant nonsyndromic hearing loss 17. Last evaluated: 2024-05-23. Review status: criteria provided, single submitter. Criteria: ACMG Guidelines, 2015. Collection method: clinical testing. Allele origin: germline.

Women's Health and Genetics/Laboratory Corporation of America, LabCorp
Classification: Uncertain significance. Last evaluated: 2023-12-01. Review status: criteria provided, single submitter. Criteria: LabCorp Variant Classification Summary - May 2015. Collection method: clinical testing. Allele origin: germline.
Comment: Variant summary: MYH9 c.4745A>G (p.Glu1582Gly) results in a non-conservative amino acid change located in the Myosin tail domain (IPR002928) of the encoded protein sequence. Five of five in-silico tools predict a damaging effect of the variant on protein function. The variant was absent in 244764 control chromosomes. The available data on variant occurrences in the general population are insufficient to allow any conclusion about variant significance. c.4745A>G has been reported in the literature in one individual with a bifid uvula and an unaffected parent (Diaz Perez_2023). This report does not provide unequivocal conclusions about association of the variant with Macrothrombocytopenia And Granulocyte Inclusions With Or Without Nephritis Or Sensorineural Hearing Loss. To our knowledge, no experimental evidence demonstrating an impact on protein function has been reported. The following publication have been ascertained in the context of this evaluation (PMID: 37350193). No submitters have cited clinical-significance assessments for this variant to ClinVar after 2014. Based on the evidence outlined above, the variant was classified as uncertain significance.

Literature cited by the submitters: PubMed 37350193 (cited by Women's Health and Genetics/Laboratory Corporation of America, LabCorp).

NM_002473.6(MYH9):c.4745A>G (p.Glu1582Gly)

Gene: MYH9 (myosin heavy chain 9; minus strand). Cytogenetic location: 22q12.3.
Variant type: single nucleotide variant.
Coding change: c.4745A>G on transcript NM_002473.6 (MANE Select); coding-DNA position 4745, A replaced by G.
Protein change: p.Glu1582Gly; replaces glutamic acid 1582 with glycine.
Molecular consequence: missense variant.
Genome position (GRCh38, 1-based): chr22:36,288,752, T>C on the plus strand (A>G on the coding strand, the complement: MYH9 is on the minus strand). VCF-style: chr22-36288752-T-C. GRCh37 (hg19) VCF-style: chr22-36684798-T-C.
Other names: short protein forms E1582G.
Identifiers: ClinVar variation 2691514 (VCV002691514.2), dbSNP rs2016633422, ClinGen allele CA411377218.